The following is an entry in ClinVar:

ClinVar aggregate classification (germline): Benign/Likely benign. Review status: criteria provided, multiple submitters, no conflicts (2 of 4 stars). 4 submissions from 4 submitters: Benign (1); Likely benign (3). Last evaluated 2024-11-11.

Conditions:
Glomuvenous malformation. Also called: GLOMANGIOMAS, MULTIPLE; GLOMUS TUMORS, MULTIPLE; Familial glomangioma; VENOUS MALFORMATIONS WITH GLOMUS CELLS. Identifiers: Orphanet 83454, MedGen C1841984, MONDO:0007672, OMIM 138000.

Allele frequency attached by ClinVar (database versions not stated): 1000 Genomes Project 0.00359; 1000 Genomes Project 30x 0.00359; gnomAD 0.00226 and 0.00257; TOPMed 0.00260; ESP Exome Variant Server 0.00261; gnomAD exomes 0.00297 and 0.00338; ExAC 0.00306.
gnomAD v4.1: 5,330 of 1,610,148 alleles (0.33%); highest among the groups gnomAD compares: Middle Eastern, 1.1%; 29 homozygotes.

Submissions (4):

Blueprint Genetics
Classification: Likely benign. Last evaluated: 2024-11-11. Review status: criteria provided, single submitter. Criteria: ACMG Guidelines, 2015. Collection method: clinical testing. Allele origin: germline.

Illumina Laboratory Services, Illumina
Classification: Benign for Glomuvenous malformation. Last evaluated: 2018-01-12. Review status: criteria provided, single submitter. Criteria: ICSL Variant Classification Criteria 13 December 2019. Collection method: clinical testing. Allele origin: germline.
Comment: This variant was observed in the ICSL laboratory as part of a predisposition screen in an ostensibly healthy population. It had not been previously curated by ICSL or reported in the Human Gene Mutation Database (HGMD: prior to June 1st, 2018), and was therefore a candidate for classification through an automated scoring system. Utilizing variant allele frequency, disease prevalence and penetrance estimates, and inheritance mode, an automated score was calculated to assess if this variant is too frequent to cause the disease. Based on the score and internal cut-off values, a variant classified as benign is not then subjected to further curation. The score for this variant resulted in a classification of benign for this disease.

Center for Pediatric Genomic Medicine, Children's Mercy Hospital and Clinics
Classification: Likely benign. Last evaluated: 2017-08-03. Review status: criteria provided, single submitter. Criteria: ACMG Guidelines, 2015. Collection method: clinical testing. Allele origin: germline.

Breakthrough Genomics
Classification: Likely benign. Review status: criteria provided, single submitter. Criteria: ACMG Guidelines, 2015. Collection method: not provided. Allele origin: germline. Inheritance: Autosomal dominant inheritance. Affected: yes.

NM_053274.3(GLMN):c.165+10A>G

Gene: GLMN (glomulin, FKBP associated protein; minus strand). Cytogenetic location: 1p22.1.
Variant type: single nucleotide variant.
Coding change: c.165+10A>G on transcript NM_053274.3 (MANE Select); 10 bases into the intron after coding-DNA position 165, A replaced by G.
Molecular consequence: intron variant.
Genome position (GRCh38, 1-based): chr1:92,297,394, T>C on the plus strand (A>G on the coding strand, the complement: GLMN is on the minus strand). VCF-style: chr1-92297394-T-C. GRCh37 (hg19) VCF-style: chr1-92762951-T-C.
Other names: c.165+10A>G (NM_001319683.2).
Identifiers: ClinVar variation 298148 (VCV000298148.8), dbSNP rs201467961, ClinGen allele CA950671.